The following is an entry in ClinVar:

ClinVar aggregate classification (germline): Uncertain significance. Review status: criteria provided, multiple submitters, no conflicts (2 of 4 stars). 2 submissions from 2 submitters: Uncertain significance (2). Last evaluated 2023-12-27.

Allele frequency attached by ClinVar (database versions not stated): gnomAD 0.00001; gnomAD exomes 0.00001; TOPMed 0.00001; ExAC 0.00007.
gnomAD v4.1: 12 of 1,355,718 alleles (0.00089%); highest among the groups gnomAD compares: East Asian, 0.055%; no homozygotes.

Submissions (2):

Labcorp Genetics (formerly Invitae), Labcorp
Classification: Uncertain significance. Last evaluated: 2023-12-27. Review status: criteria provided, single submitter. Criteria: Invitae Variant Classification Sherloc (09022015). Collection method: clinical testing. Allele origin: germline.
Comment: This sequence change replaces glutamine, which is neutral and polar, with glutamic acid, which is acidic and polar, at codon 1267 of the ERCC6L2 protein (p.Gln1267Glu). This variant is present in population databases (rs779859138, gnomAD 0.05%). This variant has not been reported in the literature in individuals affected with ERCC6L2-related conditions. ClinVar contains an entry for this variant (Variation ID: 1921630). Experimental studies and prediction algorithms are not available or were not evaluated, and the functional significance of this variant is currently unknown. In summary, the available evidence is currently insufficient to determine the role of this variant in disease. Therefore, it has been classified as a Variant of Uncertain Significance.

Blueprint Genetics
Classification: Uncertain significance. Last evaluated: 2020-07-22. Review status: criteria provided, single submitter. Criteria: ACMG Guidelines, 2015. Collection method: clinical testing. Allele origin: germline.

NM_020207.7(ERCC6L2):c.3766C>G (p.Gln1256Glu)

Gene: ERCC6L2 (ERCC excision repair 6 like 2; plus strand). Cytogenetic location: 9q22.32.
Variant type: single nucleotide variant.
Coding change: c.3766C>G on transcript NM_020207.7 (MANE Select); coding-DNA position 3766, C replaced by G.
Protein change: p.Gln1256Glu; replaces glutamine 1256 with glutamic acid.
Molecular consequence: missense variant. On other transcripts: non-coding transcript variant (1), intron variant (2).
Genome position (GRCh38, 1-based): chr9:96,012,316, C>G. VCF-style: chr9-96012316-C-G. GRCh37 (hg19) VCF-style: chr9-98774598-C-G.
Other names: c.3674+7615C>G (NM_001375291.1, NM_001375292.1); short protein forms Q1256E.
Identifiers: ClinVar variation 1921630 (VCV001921630.4), dbSNP rs779859138, ClinGen allele CA5139997.